The following is an entry in ClinVar:

NM_001267550.2(TTN):c.52778dup (p.Ala17594fs)

Genes: TTN (titin; minus strand), TTN-AS1 (TTN antisense RNA 1; plus strand), LOC126806425 (BRD4-independent group 4 enhancer GRCh37_chr2:179471933-179473132; plus strand). Cytogenetic location: 2q31.2.
Variant type: Duplication.
Coding change: c.52778dup on transcript NM_001267550.2 (MANE Select); coding-DNA position 52778, one base duplicated (C; older notation c.52778dupC).
Protein change: p.Ala17594fs; shifts the reading frame from alanine 17594.
Molecular consequence: frameshift variant.
Genome position (GRCh38, 1-based): chr2:178,608,009, G duplicated on the plus strand (C on the coding strand, the reverse complement: TTN is on the minus strand); the first of 5 consecutive G bases (chr2:178,608,009-178,608,013); duplicating any one gives the same sequence. VCF-style (leftmost placement, unchanged base first): chr2-178608008-T-TG. GRCh37 (hg19) VCF-style: chr2-179472735-T-TG.
Other names: c.52778dupC (NM_001267550.2); c.47855dup, p.Ala15953fs (NM_001256850.1); c.25583dup, p.Ala8529fs (NM_003319.4); c.45074dup, p.Ala15026fs (NM_133378.4); c.25958dup, p.Ala8654fs (NM_133432.3); c.26159dup, p.Ala8721fs (NM_133437.4); short protein forms A15026fs, A15953fs, A17594fs, A8529fs, A8654fs, A8721fs.
Identifiers: ClinVar variation 3344882 (VCV003344882.1).

ClinVar aggregate classification (germline): Likely pathogenic (0 of 4 stars; one submission).

Conditions:
TTN-related disorder. Also called: TTN-related disorders; TTN-related condition; TTN-related disease.

Submission:

PreventionGenetics, part of Exact Sciences
Classification: Likely pathogenic for TTN-related condition. Last evaluated: 2024-09-17. Review status: no assertion criteria provided. Collection method: clinical testing. Allele origin: germline.
Comment: The TTN c.52778dupC variant is predicted to result in a frameshift and premature protein termination (p.Ala17594Serfs*14). This variant is located in the A-band region of the protein in which truncating TTN variants have been found more frequently in dilated cardiomyopathy patients than in controls (Herman et al. 2012. PubMed ID: 22335739). To our knowledge, this variant has not been reported in the literature or in a large population database, indicating this variant is rare. RNAseq studies from heart tissue indicate this exon is commonly included in TTN mRNA transcripts (PSI of 93%-100%, Roberts et al. 2015. PMID: 25589632). TTN truncating variants are reported in 1-2% of presumably healthy individuals and occur more frequently in exons with low PSI values, indicating this variant is more likely to be disease causing (Roberts et al. et al. 2015. PMID: 25589632; Herman et al. 2012. PMID: 22335739). Many cases of recessive TTN-related myopathies in which the individual is compound heterozygous for two loss of function variants in TTN have also been reported (See Ceyhan-Birsoy et al. 2013. PMID: 23975875; Chauveau et al. 2014. PMID: 24105469; Evilä et al. 2016. PMID: 27796757; Ge et al. 2019. PubMed ID: 31053406). In summary, this variant is categorized as likely pathogenic for TTN-related disorders.